The following is an entry in ClinVar:

ClinVar aggregate classification (germline): Uncertain significance. Review status: criteria provided, multiple submitters, no conflicts (2 of 4 stars). 2 submissions from 2 submitters: Uncertain significance (2). Last evaluated 2025-04-10.

Conditions:
Inborn genetic diseases. Identifiers: MedGen C0950123, MeSH D030342.

Allele frequency attached by ClinVar (database versions not stated): gnomAD exomes below 0.00001; TOPMed 0.00002.
gnomAD v4.1: 8 of 1,449,880 alleles (0.00055%); highest among the groups gnomAD compares: South Asian, 0.0013%; no homozygotes.

Submissions (2):

Ambry Genetics
Classification: Uncertain significance for Inborn genetic diseases. Last evaluated: 2025-04-10. Review status: criteria provided, single submitter. Criteria: Ambry Variant Classification Scheme 2023. Collection method: clinical testing. Allele origin: germline.

Labcorp Genetics (formerly Invitae), Labcorp
Classification: Uncertain significance. Last evaluated: 2023-08-14. Review status: criteria provided, single submitter. Criteria: Invitae Variant Classification Sherloc (09022015). Collection method: clinical testing. Allele origin: germline.
Comment: This sequence change replaces serine, which is neutral and polar, with cysteine, which is neutral and slightly polar, at codon 31 of the PODXL protein (p.Ser31Cys). The frequency data for this variant in the population databases is considered unreliable, as metrics indicate poor data quality at this position in the gnomAD database. This variant has not been reported in the literature in individuals affected with PODXL-related conditions. An algorithm developed to predict the effect of missense changes on protein structure and function (PolyPhen-2) suggests that this variant is likely to be tolerated. In summary, the available evidence is currently insufficient to determine the role of this variant in disease. Therefore, it has been classified as a Variant of Uncertain Significance.

NM_001018111.3(PODXL):c.92C>G (p.Ser31Cys)

Genes: PODXL (podocalyxin like; minus strand), LOC129999375 (ATAC-STARR-seq lymphoblastoid silent region 18663; plus strand). Cytogenetic location: 7q32.3.
Variant type: single nucleotide variant.
Coding change: c.92C>G on transcript NM_001018111.3 (MANE Select); coding-DNA position 92, C replaced by G.
Protein change: p.Ser31Cys; replaces serine 31 with cysteine.
Molecular consequence: missense variant.
Genome position (GRCh38, 1-based): chr7:131,556,268, G>C on the plus strand (C>G on the coding strand, the complement: PODXL is on the minus strand). VCF-style: chr7-131556268-G-C. GRCh37 (hg19) VCF-style: chr7-131241027-G-C.
Other names: c.92C>G, p.Ser31Cys (NM_005397.4); c.92C>G (NM_001018111.2); short protein forms S31C.
Identifiers: ClinVar variation 2993798 (VCV002993798.4), dbSNP rs905850545, ClinGen allele CA166922503.